The following is an entry in ClinVar:

NM_019842.4(KCNQ5):c.2042G>A (p.Ser681Asn)

Gene: KCNQ5 (potassium voltage-gated channel subfamily Q member 5; plus strand). Cytogenetic location: 6q13.
Variant type: single nucleotide variant.
Coding change: c.2042G>A on transcript NM_019842.4 (MANE Select); coding-DNA position 2042, G replaced by A.
Protein change: p.Ser681Asn; replaces serine 681 with asparagine.
Molecular consequence: missense variant.
Genome position (GRCh38, 1-based): chr6:73,194,657, G>A. VCF-style: chr6-73194657-G-A. GRCh37 (hg19) VCF-style: chr6-73904380-G-A.
Other names: c.2015G>A, p.Ser672Asn (NM_001160130.2); c.2072G>A, p.Ser691Asn (NM_001160132.2); c.2099G>A, p.Ser700Asn (NM_001160133.2); c.1712G>A, p.Ser571Asn (NM_001160134.2); short protein forms S672N, S571N, S691N, S681N, S700N.
Identifiers: ClinVar variation 1412402 (VCV001412402.6), dbSNP rs1471070618, ClinGen allele CA364695066.

ClinVar aggregate classification (germline): Uncertain significance (1 of 4 stars; one submission).

Allele frequency attached by ClinVar (database versions not stated): gnomAD 0.00001; TOPMed 0.00001.
gnomAD v4.1: 11 of 1,614,106 alleles (0.00068%); highest among the groups gnomAD compares: Non-Finnish European, 0.00093%; no homozygotes.

Submission:

Labcorp Genetics (formerly Invitae), Labcorp
Classification: Uncertain significance. Last evaluated: 2025-12-21. Review status: criteria provided, single submitter. Criteria: Invitae Variant Classification Sherloc (09022015). Collection method: clinical testing. Allele origin: germline.
Comment: This sequence change replaces serine, which is neutral and polar, with asparagine, which is neutral and polar, at codon 700 of the KCNQ5 protein (p.Ser700Asn). This variant is present in population databases (no rsID available, gnomAD 0.01%). This variant has not been reported in the literature in individuals affected with KCNQ5-related conditions. ClinVar contains an entry for this variant (Variation ID: 1412402). Invitae Evidence Modeling of protein sequence and biophysical properties (such as structural, functional, and spatial information, amino acid conservation, physicochemical variation, residue mobility, and thermodynamic stability) indicates that this missense variant is not expected to disrupt KCNQ5 protein function with a negative predictive value of 80%. In summary, the available evidence is currently insufficient to determine the role of this variant in disease. Therefore, it has been classified as a Variant of Uncertain Significance.